The following is an entry in ClinVar:

ClinVar aggregate classification (germline): Uncertain significance (1 of 4 stars; one submission).

Conditions:
Immunodeficiency 104. Also called: SCID, AUTOSOMAL RECESSIVE, T CELL-NEGATIVE, B CELL-POSITIVE, NK CELL-POSITIVE; Severe combined immunodeficiency, autosomal recessive, T cell-negative, B cell-positive, NK cell-positive; Severe Combined Immune Deficiency, Autosomal Recessive, TCell -Negative, B Cell-Positive, NK Cell-Positive, IL7R-Related; IMMUNODEFICIENCY 104, SEVERE COMBINED. Identifiers: MedGen C5676890, MONDO:0012163, OMIM 608971.

Allele frequency attached by ClinVar (database versions not stated): gnomAD exomes below 0.00001.
gnomAD v4.1: 2 of 1,612,178 alleles (0.00012%); highest among the groups gnomAD compares: African/African-American, 0.0013%; no homozygotes.

Submission:

Labcorp Genetics (formerly Invitae), Labcorp
Classification: Uncertain significance for Immunodeficiency 104. Last evaluated: 2019-12-15. Review status: criteria provided, single submitter. Criteria: Invitae Variant Classification Sherloc (09022015). Collection method: clinical testing. Allele origin: germline.
Comment: In summary, the available evidence is currently insufficient to determine the role of this variant in disease. Therefore, it has been classified as a Variant of Uncertain Significance. Algorithms developed to predict the effect of missense changes on protein structure and function are either unavailable or do not agree on the potential impact of this missense change (SIFT: "Deleterious"; PolyPhen-2: "Benign"; Align-GVGD: "Class C0"). This variant has not been reported in the literature in individuals with PTPRC-related conditions. This variant is not present in population databases (ExAC no frequency). This sequence change replaces aspartic acid with asparagine at codon 18 of the PTPRC protein (p.Asp18Asn). The aspartic acid residue is highly conserved and there is a small physicochemical difference between aspartic acid and asparagine.

NM_002838.5(PTPRC):c.52G>A (p.Asp18Asn)

Gene: PTPRC (protein tyrosine phosphatase receptor type C; plus strand). Cytogenetic location: 1q31.3.
Variant type: single nucleotide variant.
Coding change: c.52G>A on transcript NM_002838.5 (MANE Select); coding-DNA position 52, G replaced by A.
Protein change: p.Asp18Asn; replaces aspartic acid 18 with asparagine.
Molecular consequence: missense variant. On other transcripts: non-coding transcript variant (1).
Genome position (GRCh38, 1-based): chr1:198,639,320, G>A. VCF-style: chr1-198639320-G-A. GRCh37 (hg19) VCF-style: chr1-198608450-G-A.
Other names: c.52G>A, p.Asp18Asn (NM_001267798.2, NM_080921.4); short protein forms D18N.
Identifiers: ClinVar variation 843628 (VCV000843628.12), dbSNP rs781080051, ClinGen allele CA344098056.